The following is an entry in ClinVar:

NM_015693.4(INTU):c.2630A>G (p.Lys877Arg)

Gene: INTU (inturned planar cell polarity protein; plus strand). Cytogenetic location: 4q28.1.
Variant type: single nucleotide variant.
Coding change: c.2630A>G on transcript NM_015693.4 (MANE Select); coding-DNA position 2630, A replaced by G.
Protein change: p.Lys877Arg; replaces lysine 877 with arginine.
Molecular consequence: missense variant.
Genome position (GRCh38, 1-based): chr4:127,714,006, A>G. VCF-style: chr4-127714006-A-G. GRCh37 (hg19) VCF-style: chr4-128635161-A-G.
Other names: c.2630A>G (NM_015693.3); short protein forms K877R.
Identifiers: ClinVar variation 2723778 (VCV002723778.4), dbSNP rs371180591, ClinGen allele CA3075375.

ClinVar aggregate classification (germline): Uncertain significance. Review status: criteria provided, multiple submitters, no conflicts (2 of 4 stars). 2 submissions from 2 submitters: Uncertain significance (2). Last evaluated 2025-05-05.

Conditions:
Inborn genetic diseases. Identifiers: MedGen C0950123, MeSH D030342.

Allele frequency attached by ClinVar (database versions not stated): gnomAD exomes 0.00007; TOPMed 0.00002; ExAC 0.00003; gnomAD 0.00005; ESP Exome Variant Server 0.00008.
gnomAD v4.1: 114 of 1,612,652 alleles (0.0071%); highest among the groups gnomAD compares: Non-Finnish European, 0.0092%; no homozygotes.

Submissions (2):

Ambry Genetics
Classification: Uncertain significance for Inborn genetic diseases. Last evaluated: 2025-05-05. Review status: criteria provided, single submitter. Criteria: Ambry Variant Classification Scheme 2023. Collection method: clinical testing. Allele origin: germline.

Labcorp Genetics (formerly Invitae), Labcorp
Classification: Uncertain significance. Last evaluated: 2025-03-01. Review status: criteria provided, single submitter. Criteria: Invitae Variant Classification Sherloc (09022015). Collection method: clinical testing. Allele origin: germline.
Comment: This sequence change replaces lysine, which is basic and polar, with arginine, which is basic and polar, at codon 877 of the INTU protein (p.Lys877Arg). This variant is present in population databases (rs371180591, gnomAD 0.01%). This variant has not been reported in the literature in individuals affected with INTU-related conditions. ClinVar contains an entry for this variant (Variation ID: 2723778). Invitae Evidence Modeling of protein sequence and biophysical properties (such as structural, functional, and spatial information, amino acid conservation, physicochemical variation, residue mobility, and thermodynamic stability) indicates that this missense variant is not expected to disrupt INTU protein function with a negative predictive value of 80%. In summary, the available evidence is currently insufficient to determine the role of this variant in disease. Therefore, it has been classified as a Variant of Uncertain Significance.